The following is an entry in ClinVar:

NM_001374353.1(GLI2):c.2107C>T (p.Arg703Cys)

Gene: GLI2 (GLI family zinc finger 2; plus strand). Cytogenetic location: 2q14.2.
Variant type: single nucleotide variant.
Coding change: c.2107C>T on transcript NM_001374353.1 (MANE Select); coding-DNA position 2107, C replaced by T.
Protein change: p.Arg703Cys; replaces arginine 703 with cysteine.
Molecular consequence: missense variant.
Genome position (GRCh38, 1-based): chr2:120,986,479, C>T. VCF-style: chr2-120986479-C-T. GRCh37 (hg19) VCF-style: chr2-121744055-C-T.
Other names: c.2158C>T, p.Arg720Cys (NM_001371271.1, NM_005270.5); c.1732C>T, p.Arg578Cys (NM_001374354.1); short protein forms R720C, R703C, R578C.
Identifiers: ClinVar variation 650369 (VCV000650369.12), dbSNP rs773976966, ClinGen allele CA1852137.
Genomic context (GRCh38, chr2:120,986,479, plus strand): 5'-ACACCCCCAGGGGCCGACACCTCAGCCCTGGCTGCCCCCTCCGCTGGTGGCCTCCAGCTG[C>T]GCAAACACATGACCACCATGCACCGGTTCGAGCAGCTCAAGAAGGAGAAGCTCAAGTCAC-3'
Protein context (NP_001361282.1, residues 693-713): AAPSAGGLQL[Arg703Cys]KHMTTMHRFE

ClinVar aggregate classification (germline): Uncertain significance. Review status: criteria provided, multiple submitters, no conflicts (2 of 4 stars). 3 submissions from 3 submitters: Uncertain significance (3). Last evaluated 2022-10-19.

Conditions:
Holoprosencephaly 9 (HPE9). Also called: PITUITARY ANOMALIES WITH HOLOPROSENCEPHALY-LIKE FEATURES; HOLOPROSENCEPHALY WITH MICROPHTHALMIA AND FIRST BRANCHIAL ARCH ANOMALIES. Identifiers: Orphanet 2162, MedGen C1835819, MONDO:0012563, OMIM 610829.
Postaxial polydactyly-anterior pituitary anomalies-facial dysmorphism syndrome. Also called: Culler-Jones syndrome. Identifiers: Orphanet 420584, MedGen C4014479, MONDO:0014369, OMIM 615849.

Allele frequency attached by ClinVar (database versions not stated): gnomAD 0.00003; TOPMed 0.00006.
gnomAD v4.1: 49 of 1,613,966 alleles (0.003%); highest among the groups gnomAD compares: African/African-American, 0.011%; no homozygotes.

Submissions (3):

Labcorp Genetics (formerly Invitae), Labcorp
Classification: Uncertain significance for Postaxial polydactyly-anterior pituitary anomalies-facial dysmorphism syndrome; Holoprosencephaly 9. Last evaluated: 2022-10-19. Review status: criteria provided, single submitter. Criteria: Invitae Variant Classification Sherloc (09022015). Collection method: clinical testing. Allele origin: germline.
Comment: In summary, the available evidence is currently insufficient to determine the role of this variant in disease. Therefore, it has been classified as a Variant of Uncertain Significance. This sequence change replaces arginine, which is basic and polar, with cysteine, which is neutral and slightly polar, at codon 720 of the GLI2 protein (p.Arg720Cys). This variant is present in population databases (rs773976966, gnomAD 0.02%). This missense change has been observed in individual(s) with alobar holoprosencephaly (Invitae). ClinVar contains an entry for this variant (Variation ID: 650369). Advanced modeling of protein sequence and biophysical properties (such as structural, functional, and spatial information, amino acid conservation, physicochemical variation, residue mobility, and thermodynamic stability) performed at Invitae indicates that this missense variant is expected to disrupt GLI2 protein function.

Revvity Omics, Revvity
Classification: Uncertain significance. Last evaluated: 2021-12-08. Review status: criteria provided, single submitter. Criteria: ACMG Guidelines, 2015. Collection method: clinical testing. Allele origin: germline.

Breakthrough Genomics
Classification: Uncertain significance. Review status: criteria provided, single submitter. Criteria: ACMG Guidelines, 2015. Collection method: not provided. Allele origin: germline. Inheritance: Autosomal dominant inheritance. Affected: yes.